The following is an entry in ClinVar:

ClinVar aggregate classification (germline): Uncertain significance (1 of 4 stars; one submission).

gnomAD v4.1: 1 of 1,612,374 alleles (0.000062%); highest among the groups gnomAD compares: Non-Finnish European, 0.000085%; no homozygotes.

Submission:

GeneDx
Classification: Uncertain significance. Last evaluated: 2025-08-06. Review status: criteria provided, single submitter. Criteria: GeneDx Variant Classification Process June 2021. Collection method: clinical testing. Allele origin: germline. Affected: yes.
Comment: Not observed at significant frequency in large population cohorts (gnomAD); In silico analysis supports that this missense variant has a deleterious effect on protein structure/function; Has not been previously published as pathogenic or benign to our knowledge; This substitution is predicted to be within the cytoplasmic loop between the second and third homologous domains

NM_001165963.4(SCN1A):c.3618C>G (p.Asn1206Lys)

Genes: SCN1A (sodium voltage-gated channel alpha subunit 1; minus strand), LOC102724058 (uncharacterized LOC102724058; plus strand). Cytogenetic location: 2q24.3.
Variant type: single nucleotide variant.
Coding change: c.3618C>G on transcript NM_001165963.4 (MANE Select); coding-DNA position 3618, C replaced by G.
Protein change: p.Asn1206Lys; replaces asparagine 1206 with lysine.
Molecular consequence: missense variant. On other transcripts: non-coding transcript variant (1).
Genome position (GRCh38, 1-based): chr2:166,013,831, G>C on the plus strand (C>G on the coding strand, the complement: SCN1A is on the minus strand). VCF-style: chr2-166013831-G-C. GRCh37 (hg19) VCF-style: chr2-166870341-G-C.
Other names: c.3534C>G, p.Asn1178Lys (NM_001165964.3, NM_001353957.2, NM_001353958.2); c.3618C>G, p.Asn1206Lys (NM_001202435.3, NM_001353948.2); c.3585C>G, p.Asn1195Lys (NM_001353949.2, NM_001353950.2, NM_001353951.2 and 2 more transcripts); c.3582C>G, p.Asn1194Lys (NM_001353954.2, NM_001353955.2); c.3531C>G, p.Asn1177Lys (NM_001353960.2); c.1176C>G, p.Asn392Lys (NM_001353961.2); short protein forms N1177K, N1178K, N1194K, N1195K, N1206K, N392K.
Identifiers: ClinVar variation 4755613 (VCV004755613.1).
Genomic context (GRCh38, chr2:166,013,831, plus strand): 5'-GAAAACAATGAAGGTCTCAAACCAGTTATGTTCAACTATTCGGAAACACGTCCTTCTCAG[G>C]TTCCACCATTGTTTTCCTCTGCCTTCTTCCACATTGATTTGACAACACTTGAATCTTTGT-3'
Protein context (NP_001159435.1, residues 1196-1216): VEEGRGKQWW[Asn1206Lys]LRRTCFRIVE